The following is an entry in ClinVar:

NM_001563.4(IMPG1):c.1944C>A (p.Asn648Lys)

Gene: IMPG1 (interphotoreceptor matrix proteoglycan 1; minus strand). Cytogenetic location: 6q14.1.
Variant type: single nucleotide variant.
Coding change: c.1944C>A on transcript NM_001563.4 (MANE Select); coding-DNA position 1944, C replaced by A.
Protein change: p.Asn648Lys; replaces asparagine 648 with lysine.
Molecular consequence: missense variant.
Genome position (GRCh38, 1-based): chr6:75,947,414, G>T on the plus strand (C>A on the coding strand, the complement: IMPG1 is on the minus strand). VCF-style: chr6-75947414-G-T. GRCh37 (hg19) VCF-style: chr6-76657131-G-T.
Other names: c.1710C>A, p.Asn570Lys (NM_001282368.2); short protein forms N570K, N648K.
Identifiers: ClinVar variation 3672511 (VCV003672511.2).
Genomic context (GRCh38, chr6:75,947,414, plus strand): 5'-GAGTTGTTGGGCTGCAGCAGAACGAAAATCCTCCAAGACCCCGTGCACAGCCTTGGTGAG[G>T]TTATACGGCACTGACTTAGCAAACTTCATTTTGCTATTCACAATCACACTCCCGTTTCTG-3'
Protein context (NP_001554.2, residues 638-658): KMKFAKSVPY[Asn648Lys]LTKAVHGVLE

ClinVar aggregate classification (germline): Uncertain significance (1 of 4 stars; one submission).

gnomAD v4.1: 2 of 1,613,850 alleles (0.00012%); highest among the groups gnomAD compares: Admixed American, 0.0017%; no homozygotes.

Submission:

Labcorp Genetics (formerly Invitae), Labcorp
Classification: Uncertain significance. Last evaluated: 2024-02-12. Review status: criteria provided, single submitter. Criteria: Invitae Variant Classification Sherloc (09022015). Collection method: clinical testing. Allele origin: germline.
Comment: This sequence change replaces asparagine, which is neutral and polar, with lysine, which is basic and polar, at codon 648 of the IMPG1 protein (p.Asn648Lys). This variant is present in population databases (rs749382585, gnomAD 0.007%). This variant has not been reported in the literature in individuals affected with IMPG1-related conditions. An algorithm developed to predict the effect of missense changes on protein structure and function (PolyPhen-2) suggests that this variant is likely to be disruptive. In summary, the available evidence is currently insufficient to determine the role of this variant in disease. Therefore, it has been classified as a Variant of Uncertain Significance.